The following is an entry in ClinVar:

ClinVar aggregate classification (germline): Uncertain significance. Review status: criteria provided, multiple submitters, no conflicts (2 of 4 stars). 3 submissions from 3 submitters: Uncertain significance (3). Last evaluated 2024-04-25.

Conditions:
Fetal akinesia deformation sequence 1 (FADS1). Also called: Fetal akinesia sequence; Pena-Shokeir syndrome type I. Identifiers: Orphanet 994, MedGen C1276035, MONDO:0100101, OMIM 208150, HP:0001989.
Congenital myasthenic syndrome 9. Also called: Myasthenic syndrome, congenital, 9, associated with acetylcholine receptor deficiency. Identifiers: Orphanet 590, MedGen C4225368, MONDO:0014587, OMIM 616325.

Allele frequency attached by ClinVar (database versions not stated): gnomAD exomes 0.00001 and 0.00002; TOPMed 0.00002; ExAC 0.00004; 1000 Genomes Project 30x 0.00016; 1000 Genomes Project 0.00020.
gnomAD v4.1: 19 of 1,523,278 alleles (0.0012%); highest among the groups gnomAD compares: East Asian, 0.0068%; no homozygotes.

Submissions (3):

Labcorp Genetics (formerly Invitae), Labcorp
Classification: Uncertain significance for Congenital myasthenic syndrome 9; Fetal akinesia deformation sequence 1. Last evaluated: 2024-04-25. Review status: criteria provided, single submitter. Criteria: Invitae Variant Classification Sherloc (09022015). Collection method: clinical testing. Allele origin: germline.
Comment: This sequence change replaces arginine, which is basic and polar, with cysteine, which is neutral and slightly polar, at codon 858 of the MUSK protein (p.Arg858Cys). This variant is present in population databases (rs200450921, gnomAD 0.02%). This missense change has been observed in individual(s) with clinical features of MUSK-related conditions (PMID: 29663639). ClinVar contains an entry for this variant (Variation ID: 1028917). Advanced modeling of protein sequence and biophysical properties (such as structural, functional, and spatial information, amino acid conservation, physicochemical variation, residue mobility, and thermodynamic stability) performed at Invitae indicates that this missense variant is not expected to disrupt MUSK protein function with a negative predictive value of 80%. In summary, the available evidence is currently insufficient to determine the role of this variant in disease. Therefore, it has been classified as a Variant of Uncertain Significance.

GeneDx
Classification: Uncertain significance. Last evaluated: 2020-10-30. Review status: criteria provided, single submitter. Criteria: GeneDx Variant Classification Process June 2021. Collection method: clinical testing. Allele origin: germline. Affected: yes.
Comment: Observed in homozygous state in patient with arthrogryposis multiplex congenita; however, patient was also found to carry homozygous variant in ECEL1 (Stattin et al., 2018); Not observed at a significant frequency in large population cohorts (Lek et al., 2016); In silico analysis supports that this missense variant has a deleterious effect on protein structure/function; This variant is associated with the following publications: (PMID: 29663639)

Baylor Genetics
Classification: Uncertain significance for Congenital myasthenic syndrome 9. Last evaluated: 2019-12-09. Review status: criteria provided, single submitter. Criteria: ACMG Guidelines, 2015. Collection method: clinical testing. Allele origin: unknown. Affected: yes.
Comment: This variant was determined to be of uncertain significance according to ACMG Guidelines, 2015 [PMID:25741868].

Literature cited by the submitters: PubMed 29663639 (cited by Labcorp Genetics (formerly Invitae), Labcorp).

NM_005592.4(MUSK):c.2572C>T (p.Arg858Cys)

Gene: MUSK (muscle associated receptor tyrosine kinase; plus strand). Cytogenetic location: 9q31.3.
Variant type: single nucleotide variant.
Coding change: c.2572C>T on transcript NM_005592.4 (MANE Select); coding-DNA position 2572, C replaced by T.
Protein change: p.Arg858Cys; replaces arginine 858 with cysteine.
Molecular consequence: missense variant.
Genome position (GRCh38, 1-based): chr9:110,800,950, C>T. VCF-style: chr9-110800950-C-T. GRCh37 (hg19) VCF-style: chr9-113563230-C-T.
Other names: c.2314C>T, p.Arg772Cys (NM_001166280.2); c.2284C>T, p.Arg762Cys (NM_001166281.2); c.1312C>T, p.Arg438Cys (NM_001369398.1); short protein forms R438C, R762C, R772C, R858C.
Identifiers: ClinVar variation 1028917 (VCV001028917.7), dbSNP rs200450921, ClinGen allele CA5184650.